The following is an entry in ClinVar:

ClinVar aggregate classification (germline): Uncertain significance (1 of 4 stars; one submission).

Conditions:
Early-onset Lafora body disease. Also called: Epilepsy, progressive myoclonic, 10. Identifiers: Orphanet 324290, MedGen C4225258, MONDO:0014717, OMIM 616640.

gnomAD v4.1: 1 of 1,613,320 alleles (0.000062%); highest among the groups gnomAD compares: Non-Finnish European, 0.000085%; no homozygotes.

Submission:

Labcorp Genetics (formerly Invitae), Labcorp
Classification: Uncertain significance for Early-onset Lafora body disease. Last evaluated: 2022-03-19. Review status: criteria provided, single submitter. Criteria: Invitae Variant Classification Sherloc (09022015). Collection method: clinical testing. Allele origin: germline.
Comment: This sequence change replaces glycine, which is neutral and non-polar, with aspartic acid, which is acidic and polar, at codon 204 of the PRDM8 protein (p.Gly204Asp). This variant is not present in population databases (gnomAD no frequency). This variant has not been reported in the literature in individuals affected with PRDM8-related conditions. ClinVar contains an entry for this variant (Variation ID: 1059274). Algorithms developed to predict the effect of missense changes on protein structure and function are either unavailable or do not agree on the potential impact of this missense change (SIFT: "Deleterious"; PolyPhen-2: "Probably Damaging"; Align-GVGD: "Class C0"). In summary, the available evidence is currently insufficient to determine the role of this variant in disease. Therefore, it has been classified as a Variant of Uncertain Significance.

NM_001099403.2(PRDM8):c.611G>A (p.Gly204Asp)

Gene: PRDM8 (PR/SET domain 8; plus strand). Cytogenetic location: 4q21.21.
Variant type: single nucleotide variant.
Coding change: c.611G>A on transcript NM_001099403.2 (MANE Select); coding-DNA position 611, G replaced by A.
Protein change: p.Gly204Asp; replaces glycine 204 with aspartic acid.
Molecular consequence: missense variant.
Genome position (GRCh38, 1-based): chr4:80,202,073, G>A. VCF-style: chr4-80202073-G-A. GRCh37 (hg19) VCF-style: chr4-81123227-G-A.
Other names: c.611G>A, p.Gly204Asp (NM_020226.4); short protein forms G204D.
Identifiers: ClinVar variation 1059274 (VCV001059274.10), dbSNP rs2109878137, ClinGen allele CA357394555.
Genomic context (GRCh38, chr4:80,202,073, plus strand): 5'-GCGCTGATATAAGTCCCCAAGACGAACAAGGCGGCGGCGTGGGCACCAAGGACCACGGGG[G>A]CGGCGGCGGCGGTGGCAAAGACCAGCAGCAGCAGCAGCAGGAGGCACCTTTAGGCCCGGG-3'
Protein context (NP_001092873.1, residues 194-214): GGGVGTKDHG[Gly204Asp]GGGGGKDQQQ